The following is an entry in ClinVar:

NM_000179.3(MSH6):c.1960A>G (p.Met654Val)

Gene: MSH6 (mutS homolog 6; plus strand). Cytogenetic location: 2p16.3.
Variant type: single nucleotide variant.
Coding change: c.1960A>G on transcript NM_000179.3 (MANE Select); coding-DNA position 1960, A replaced by G.
Protein change: p.Met654Val; replaces methionine 654 with valine.
Molecular consequence: missense variant.
Genome position (GRCh38, 1-based): chr2:47,799,943, A>G. VCF-style: chr2-47799943-A-G. GRCh37 (hg19) VCF-style: chr2-48027082-A-G.
Other names: c.1570A>G, p.Met524Val (NM_001281492.2); c.1054A>G, p.Met352Val (NM_001281493.2, NM_001281494.2); c.1960A>G (NM_000179.2); short protein forms M352V, M524V, M654V.
Identifiers: ClinVar variation 1015170 (VCV001015170.12), dbSNP rs1669399925, ClinGen allele CA346750580.
Genomic context (GRCh38, chr2:47,799,943, plus strand): 5'-TTGAGAACTCTCCTTGAGGAAGAATATTTTAGGGAAAAGCTAAGTGATGGCATTGGGGTG[A>G]TGTTACCCCAGGTGCTTAAAGGTATGACTTCAGAGTCTGATTCCATTGGGTTGACACCAG-3'
Protein context (NP_000170.1, residues 644-664): REKLSDGIGV[Met654Val]LPQVLKGMTS

ClinVar aggregate classification (germline): Conflicting classifications of pathogenicity. Review status: criteria provided, conflicting classifications (1 of 4 stars). 2 submissions from 2 submitters: Uncertain significance (1); Likely benign (1). Last evaluated 2025-08-19.

Conditions:
Hereditary cancer-predisposing syndrome. Also called: Hereditary Cancer Syndrome; Tumor predisposition; Neoplastic Syndromes, Hereditary; Hereditary neoplastic syndrome. Identifiers: Orphanet 140162, MedGen C0027672, MeSH D009386, MONDO:0015356.
Hereditary nonpolyposis colorectal neoplasms. Identifiers: MedGen C0009405, MeSH D003123.

Submissions (2):

Ambry Genetics
Classification: Likely benign for Hereditary cancer-predisposing syndrome. Last evaluated: 2025-08-19. Review status: criteria provided, single submitter. Criteria: Ambry Variant Classification Scheme 2023. Collection method: clinical testing. Allele origin: germline.

Labcorp Genetics (formerly Invitae), Labcorp
Classification: Uncertain significance for Hereditary nonpolyposis colorectal neoplasms. Last evaluated: 2021-06-23. Review status: criteria provided, single submitter. Criteria: Invitae Variant Classification Sherloc (09022015). Collection method: clinical testing. Allele origin: germline.
Comment: Advanced modeling of protein sequence and biophysical properties (such as structural, functional, and spatial information, amino acid conservation, physicochemical variation, residue mobility, and thermodynamic stability) performed at Invitae indicates that this missense variant is not expected to disrupt MSH6 protein function. This variant has not been reported in the literature in individuals with MSH6-related conditions. This variant is not present in population databases (ExAC no frequency). In summary, the available evidence is currently insufficient to determine the role of this variant in disease. Therefore, it has been classified as a Variant of Uncertain Significance. This sequence change replaces methionine with valine at codon 654 of the MSH6 protein (p.Met654Val). The methionine residue is weakly conserved and there is a small physicochemical difference between methionine and valine.